The following is an entry in ClinVar:

NM_201384.3(PLEC):c.10237G>A (p.Val3413Met)

Gene: PLEC (plectin; minus strand). Cytogenetic location: 8q24.3.
Variant type: single nucleotide variant.
Coding change: c.10237G>A on transcript NM_201384.3 (MANE Select); coding-DNA position 10237, G replaced by A.
Protein change: p.Val3413Met; replaces valine 3413 with methionine.
Molecular consequence: missense variant.
Genome position (GRCh38, 1-based): chr8:143,919,584, C>T on the plus strand (G>A on the coding strand, the complement: PLEC is on the minus strand). VCF-style: chr8-143919584-C-T. GRCh37 (hg19) VCF-style: chr8-144993752-C-T.
Other names: c.10318G>A, p.Val3440Met (NM_000445.5); c.10195G>A, p.Val3399Met (NM_201378.4); c.10171G>A, p.Val3391Met (NM_201379.3); c.10648G>A, p.Val3550Met (NM_201380.4); c.10141G>A, p.Val3381Met (NM_201381.3); c.10237G>A, p.Val3413Met (NM_201382.4); c.10249G>A, p.Val3417Met (NM_201383.3); c.10318G>A (NM_000445.3); short protein forms V3381M, V3391M, V3399M, V3413M, V3417M, V3440M, V3550M.
Identifiers: ClinVar variation 1016413 (VCV001016413.10), dbSNP rs1821826541, ClinGen allele CA372502618.
Genomic context (GRCh38, chr8:143,919,584, plus strand): 5'-CGGCCTTCTCGGCAGACAGCAGCTGCTCGTGAAGCTCGGGGCCCACCACGCCCGCCTTCA[C>T]GGCCTCGTGGACATACAGGCGCTGGTTCCGCACGGGGTCCACCAGGAAGCCAGTGGCCGC-3'
Protein context (NP_958786.1, residues 3403-3423): RNQRLYVHEA[Val3413Met]KAGVVGPELH

ClinVar aggregate classification (germline): Uncertain significance. Review status: criteria provided, multiple submitters, no conflicts (2 of 4 stars). 2 submissions from 2 submitters: Uncertain significance (2). Last evaluated 2022-11-07.

Conditions:
Epidermolysis bullosa simplex 5B, with muscular dystrophy (EBS5B). Also called: EPIDERMOLYSIS BULLOSA SIMPLEX AND LIMB-GIRDLE MUSCULAR DYSTROPHY; Epidermolysis bullosa simplex with muscular dystrophy. Identifiers: Orphanet 257, MedGen C2931072, MONDO:0009181, OMIM 226670.
Epidermolysis bullosa simplex, Ogna type (EBS5A). Also called: EPIDERMOLYSIS BULLOSA SIMPLEX 5A, OGNA TYPE; Pidermolysis bullosa simplex 5A, Ogna type. Identifiers: Orphanet 79401, MedGen C0432317, MONDO:0007555, OMIM 131950.
Epidermolysis bullosa simplex 5C, with pyloric atresia (EBS5C). Also called: Epidermolysis bullosa simplex with pyloric atresia; PLEC-Related Epidermolysis Bullosa with Pyloric Atresia; PLEC1-Related Epidermolysis Bullosa with Pyloric Atresia. Identifiers: Orphanet 158684, MedGen C2677349, MONDO:0012807, OMIM 612138.
Autosomal recessive limb-girdle muscular dystrophy type 2Q (LGMDR17). Also called: MUSCULAR DYSTROPHY, LIMB-GIRDLE, AUTOSOMAL RECESSIVE 17. Identifiers: Orphanet 254361, MedGen C3150989, MONDO:0013390, OMIM 613723.
Epidermolysis bullosa simplex with nail dystrophy (EBS5D). Identifiers: MedGen C4225309, MONDO:0014661, OMIM 616487.
Inborn genetic diseases. Identifiers: MedGen C0950123, MeSH D030342.

Allele frequency attached by ClinVar (database versions not stated): TOPMed below 0.00001; gnomAD 0.00001.
gnomAD v4.1: 12 of 1,600,208 alleles (0.00075%); highest among the groups gnomAD compares: Non-Finnish European, 0.00094%; no homozygotes.

Submissions (2):

Ambry Genetics
Classification: Uncertain significance for Inborn genetic diseases. Last evaluated: 2022-11-07. Review status: criteria provided, single submitter. Criteria: Ambry Variant Classification Scheme 2023. Collection method: clinical testing. Allele origin: germline.

Labcorp Genetics (formerly Invitae), Labcorp
Classification: Uncertain significance for Autosomal recessive limb-girdle muscular dystrophy type 2Q; Epidermolysis bullosa simplex, Ogna type; Epidermolysis bullosa simplex with nail dystrophy; Epidermolysis bullosa simplex 5C, with pyloric atresia; Epidermolysis bullosa simplex 5B, with muscular dystrophy. Last evaluated: 2022-07-25. Review status: criteria provided, single submitter. Criteria: Invitae Variant Classification Sherloc (09022015). Collection method: clinical testing. Allele origin: germline.
Comment: In summary, the available evidence is currently insufficient to determine the role of this variant in disease. Therefore, it has been classified as a Variant of Uncertain Significance. Algorithms developed to predict the effect of missense changes on protein structure and function are either unavailable or do not agree on the potential impact of this missense change (SIFT: "Deleterious"; PolyPhen-2: "Probably Damaging"; Align-GVGD: "Class C15"). ClinVar contains an entry for this variant (Variation ID: 1016413). This variant has not been reported in the literature in individuals affected with PLEC-related conditions. This variant is not present in population databases (gnomAD no frequency). This sequence change replaces valine, which is neutral and non-polar, with methionine, which is neutral and non-polar, at codon 3440 of the PLEC protein (p.Val3440Met).